The following is an entry in ClinVar:

ClinVar aggregate classification (germline): Uncertain significance. Review status: criteria provided, multiple submitters, no conflicts (2 of 4 stars). 2 submissions from 2 submitters: Uncertain significance (2). Last evaluated 2024-06-26.

Conditions:
Cardiovascular phenotype. Identifiers: MedGen CN230736.

Allele frequency attached by ClinVar (database versions not stated): gnomAD 0.00001.

Submissions (2):

Ambry Genetics
Classification: Uncertain significance for Cardiovascular phenotype. Last evaluated: 2024-06-26. Review status: criteria provided, single submitter. Criteria: Ambry Variant Classification Scheme 2023. Collection method: clinical testing. Allele origin: germline.
Comment: The p.Q136E variant (also known as c.406C>G), located in coding exon 4 of the PRDM5 gene, results from a C to G substitution at nucleotide position 406. The glutamine at codon 136 is replaced by glutamic acid, an amino acid with highly similar properties. This amino acid position is conserved. In addition, this alteration is predicted to be tolerated by in silico analysis. Based on the available evidence, the clinical significance of this variant remains unclear.

Labcorp Genetics (formerly Invitae), Labcorp
Classification: Uncertain significance. Last evaluated: 2021-09-21. Review status: criteria provided, single submitter. Criteria: Invitae Variant Classification Sherloc (09022015). Collection method: clinical testing. Allele origin: germline.
Comment: This sequence change replaces glutamine with glutamic acid at codon 136 of the PRDM5 protein (p.Gln136Glu). The glutamine residue is weakly conserved and there is a small physicochemical difference between glutamine and glutamic acid. This variant is not present in population databases (ExAC no frequency). This variant has not been reported in the literature in individuals affected with PRDM5-related conditions. Algorithms developed to predict the effect of missense changes on protein structure and function output the following: SIFT: "Tolerated"; PolyPhen-2: "Benign"; Align-GVGD: "Class C0". The glutamic acid amino acid residue is found in multiple mammalian species, which suggests that this missense change does not adversely affect protein function. In summary, the available evidence is currently insufficient to determine the role of this variant in disease. Therefore, it has been classified as a Variant of Uncertain Significance.

NM_018699.4(PRDM5):c.406C>G (p.Gln136Glu)

Gene: PRDM5 (PR/SET domain 5; minus strand). Cytogenetic location: 4q27.
Variant type: single nucleotide variant.
Coding change: c.406C>G on transcript NM_018699.4 (MANE Select); coding-DNA position 406, C replaced by G.
Protein change: p.Gln136Glu; replaces glutamine 136 with glutamic acid.
Molecular consequence: missense variant.
Genome position (GRCh38, 1-based): chr4:120,821,240, G>C on the plus strand (C>G on the coding strand, the complement: PRDM5 is on the minus strand). VCF-style: chr4-120821240-G-C. GRCh37 (hg19) VCF-style: chr4-121742395-G-C.
Other names: c.406C>G, p.Gln136Glu (NM_001300823.2, NM_001300824.2, NM_001379104.1 and 1 more transcripts); c.406C>G (NM_018699.2); short protein forms Q136E.
Identifiers: ClinVar variation 1488322 (VCV001488322.4), dbSNP rs1755222096, ClinGen allele CA358208729.